The following is an entry in ClinVar:

ClinVar aggregate classification (germline): Uncertain significance (1 of 4 stars; one submission).

Allele frequency attached by ClinVar (database versions not stated): gnomAD 0.00001.
gnomAD v4.1: 30 of 1,613,896 alleles (0.0019%); highest among the groups gnomAD compares: Admixed American, 0.005%; no homozygotes.

Submission:

Labcorp Genetics (formerly Invitae), Labcorp
Classification: Uncertain significance. Last evaluated: 2025-10-20. Review status: criteria provided, single submitter. Criteria: Invitae Variant Classification Sherloc (09022015). Collection method: clinical testing. Allele origin: germline.
Comment: This sequence change replaces valine, which is neutral and non-polar, with isoleucine, which is neutral and non-polar, at codon 302 of the GALNT3 protein (p.Val302Ile). This variant is present in population databases (rs765239589, gnomAD 0.01%). This variant has not been reported in the literature in individuals affected with GALNT3-related conditions. ClinVar contains an entry for this variant (Variation ID: 2149783). Invitae Evidence Modeling of protein sequence and biophysical properties (such as structural, functional, and spatial information, amino acid conservation, physicochemical variation, residue mobility, and thermodynamic stability) indicates that this missense variant is not expected to disrupt GALNT3 protein function with a negative predictive value of 80%. In summary, the available evidence is currently insufficient to determine the role of this variant in disease. Therefore, it has been classified as a Variant of Uncertain Significance.

NM_004482.4(GALNT3):c.904G>A (p.Val302Ile)

Gene: GALNT3 (polypeptide N-acetylgalactosaminyltransferase 3; minus strand). Cytogenetic location: 2q24.3.
Variant type: single nucleotide variant.
Coding change: c.904G>A on transcript NM_004482.4 (MANE Select); coding-DNA position 904, G replaced by A.
Protein change: p.Val302Ile; replaces valine 302 with isoleucine.
Molecular consequence: missense variant.
Genome position (GRCh38, 1-based): chr2:165,759,505, C>T on the plus strand (G>A on the coding strand, the complement: GALNT3 is on the minus strand). VCF-style: chr2-165759505-C-T. GRCh37 (hg19) VCF-style: chr2-166616015-C-T.
Other names: short protein forms V302I.
Identifiers: ClinVar variation 2149783 (VCV002149783.2), dbSNP rs765239589, ClinGen allele CA1941053.